The following is an entry in ClinVar:

NM_058195.4(CDKN2A):c.53C>A (p.Pro18Gln)

Gene: CDKN2A (cyclin dependent kinase inhibitor 2A; minus strand). Cytogenetic location: 9p21.3.
Variant type: single nucleotide variant.
Coding change: c.53C>A on transcript NM_058195.4 (MANE Plus Clinical); coding-DNA position 53, C replaced by A.
Protein change: p.Pro18Gln; replaces proline 18 with glutamine.
Molecular consequence: missense variant. On other transcripts: intron variant (1).
Genome position (GRCh38, 1-based): chr9:21,994,279, G>T on the plus strand (C>A on the coding strand, the complement: CDKN2A is on the minus strand). VCF-style: chr9-21994279-G-T. GRCh37 (hg19) VCF-style: chr9-21994278-G-T.
Other names: c.-4+542C>A (NM_001363763.2); short protein forms P18Q.
Identifiers: ClinVar variation 664648 (VCV000664648.9), dbSNP rs1587358603, ClinGen allele CA373087036.

ClinVar aggregate classification (germline): Uncertain significance. Review status: criteria provided, multiple submitters, no conflicts (2 of 4 stars). 2 submissions from 2 submitters: Uncertain significance (2). Last evaluated 2022-03-25.

Conditions:
Familial melanoma. Also called: Hereditary melanoma; Hereditary cutaneous melanoma. Identifiers: Orphanet 618, MedGen C1512419, MONDO:0018961.
Hereditary cancer-predisposing syndrome. Also called: Tumor predisposition; Hereditary neoplastic syndrome; Neoplastic Syndromes, Hereditary; Hereditary Cancer Syndrome. Identifiers: Orphanet 140162, MedGen C0027672, MeSH D009386, MONDO:0015356.

Submissions (2):

Ambry Genetics
Classification: Uncertain significance for Hereditary cancer-predisposing syndrome. Last evaluated: 2022-03-25. Review status: criteria provided, single submitter. Criteria: Ambry Variant Classification Scheme 2023. Collection method: clinical testing. Allele origin: germline.
Comment: The p.P18Q variant (also known as c.53C>A), located in coding exon 1 of the CDKN2A gene, results from a C to A substitution at nucleotide position 53. The proline at codon 18 is replaced by glutamine, an amino acid with similar properties. This amino acid position is well conserved in available vertebrate species. In addition, this alteration is predicted to be tolerated by in silico analysis. Since supporting evidence is limited at this time, the clinical significance of this alteration remains unclear.

Labcorp Genetics (formerly Invitae), Labcorp
Classification: Uncertain significance for Familial melanoma. Last evaluated: 2021-07-14. Review status: criteria provided, single submitter. Criteria: Invitae Variant Classification Sherloc (09022015). Collection method: clinical testing. Allele origin: germline.